The following is an entry in ClinVar:

NM_001042492.3(NF1):c.2410-2A>G

Gene: NF1 (neurofibromin 1; plus strand). Cytogenetic location: 17q11.2.
Variant type: single nucleotide variant.
Coding change: c.2410-2A>G on transcript NM_001042492.3 (MANE Select); the canonical splice acceptor site of the intron before coding-DNA position 2410, A replaced by G.
Molecular consequence: splice acceptor variant.
Genome position (GRCh38, 1-based): chr17:31,229,023, A>G. VCF-style: chr17-31229023-A-G. GRCh37 (hg19) VCF-style: chr17-29556041-A-G.
Other names: c.2410-2A>G (NM_000267.4, NM_000267.3).
Identifiers: ClinVar variation 1073903 (VCV001073903.8), dbSNP rs2151428764, ClinGen allele CA398983790.

ClinVar aggregate classification (germline): Pathogenic/Likely pathogenic. Review status: criteria provided, multiple submitters, no conflicts (2 of 4 stars). 4 submissions from 4 submitters: Pathogenic (2); Likely pathogenic (2). Last evaluated 2026-03-20.

Conditions:
Neurofibromatosis, type 1 (NF1). Also called: VON RECKLINGHAUSEN DISEASE; NEUROFIBROMATOSIS, TYPE I, SOMATIC; Neurofibromatosis, type I; Peripheral type neurofibromatosis. Identifiers: Orphanet 636, MedGen C0027831, MONDO:0018975, OMIM 162200. Disease mechanism: loss of function.

Submissions (4):

Myriad Genetics, Inc.
Classification: Likely pathogenic for Neurofibromatosis, type 1. Last evaluated: 2026-03-20. Review status: criteria provided, single submitter. Criteria: Myriad Autosomal Dominant, Autosomal Recessive and X-Linked Classification Criteria (2023). Collection method: clinical testing. Allele origin: unknown.
Comment: This variant is considered likely pathogenic. This variant occurs within a consensus splice junction and is predicted to result in abnormal mRNA splicing of either an out-of-frame exon or an in-frame exon necessary for protein stability and/or normal function.

ARUP Laboratories, Molecular Genetics and Genomics, ARUP Laboratories
Classification: Pathogenic. Last evaluated: 2025-02-07. Review status: criteria provided, single submitter. Criteria: ARUP Molecular Germline Variant Investigation Process 2024. Collection method: clinical testing. Allele origin: germline.
Comment: The NF1 c.2410-2A>G variant (rs2151428764), to our knowledge, is not reported in the medical litera-ture but is reported in ClinVar (Variation ID: 1073903). This variant is absent from the Genome Aggrega-tion Database (v2.1.1), indicating it is not a common polymorphism. Additionally, other variants at this canonical splice site (c.2410-1G>A, c.2410-1G>C, c.2410-2A>T) have been reported in individuals with neurofibromatosis type I and are considered pathogenic (Hazan 2021, Laycock-van Spyk 2011, Osborn 1999, Sabbagh 2013). This variant disrupts the canonical splice acceptor site of intron 20, which is likely to negatively impact gene function. Based on available information, this variant is considered to be pathogenic. References: Hazan et al. Evaluation of clinical findings and neurofibromatosis type 1 bright objects on brain magnetic resonance images of 60 Turkish patients with NF1 gene variants. Neurol Sci. 2021 May;42(5):2045-2057. PMID: 33443663. Laycock-van Spyk et al. Neurofibromatosis type 1-associated tumours: their somatic mutational spec-trum and pathogenesis. Hum Genomics. 2011 Oct;5(6):623-90. PMID: 22155606. Osborn et al. Evaluation of the protein truncation test and mutation detection in the NF1 gene: muta-tional analysis of 15 known and 40 unknown mutations. Hum Genet. 1999 Oct;105(4):327-32. PMID: 10543400. Sabbagh et al. NF1 molecular characterization and neurofibromatosis type I genotype-phenotype corre-lation: the French experience. Hum Mutat. 2013 Nov;34(11):1510-8. PMID: 23913538.

Division of Genetic & Genomic Pathology, Hong Kong Children's Hospital
Classification: Likely pathogenic for Neurofibromatosis, type 1. Last evaluated: 2024-09-10. Review status: criteria provided, single submitter. Criteria: ACMG Guidelines, 2015. Collection method: clinical testing. Allele origin: germline. Affected: yes.
Comment: NF1 c.2410-2A>G is a splicing variant in intron 20 of the NF1 gene. It is predicted to abolish the canonical acceptor splice site and result in loss of protein function. Loss-of-function variants in NF1 are known to be pathogenic (PMID: 10712197, 23913538). NF1 c.2410-2A>G is absent in population controls (gnomAD v2.1.1 and v3.1.0). It has been reported as pathogenic in ClinVar database (VCV001073903.3). This variant has not been reported in patients with NF1-related diseases, but another variant affecting the same acceptor site has been reported (PMID: 23913538). For these reasons, this variant is classified as likely pathogenic.

Labcorp Genetics (formerly Invitae), Labcorp
Classification: Pathogenic for Neurofibromatosis, type 1. Last evaluated: 2021-01-26. Review status: criteria provided, single submitter. Criteria: Invitae Variant Classification Sherloc (09022015). Collection method: clinical testing. Allele origin: germline.
Comment: For these reasons, this variant has been classified as Pathogenic. Donor and acceptor splice site variants typically lead to a loss of protein function (PMID: 16199547), and loss-of-function variants in NF1 are known to be pathogenic (PMID: 10712197, 23913538). Algorithms developed to predict the effect of sequence changes on RNA splicing suggest that this variant may disrupt the consensus splice site, but this prediction has not been confirmed by published transcriptional studies. Disruption of this splice site has been observed in individual(s) with neurofibromatosis type 1 (Invitae). This variant is not present in population databases (ExAC no frequency). This sequence change affects an acceptor splice site in intron 20 of the NF1 gene. It is expected to disrupt RNA splicing and likely results in an absent or disrupted protein product.

Literature cited by the submitters: PubMed 10712197 (cited by Division of Genetic & Genomic Pathology, Hong Kong Children's Hospital and Labcorp Genetics (formerly Invitae), Labcorp); PubMed 23913538 (cited by Division of Genetic & Genomic Pathology, Hong Kong Children's Hospital and Labcorp Genetics (formerly Invitae), Labcorp); PubMed 16199547 (cited by Labcorp Genetics (formerly Invitae), Labcorp).